The following is an entry in ClinVar:

NM_024652.6(LRRK1):c.2943C>T (p.Ala981=)

Gene: LRRK1 (leucine rich repeat kinase 1; plus strand). Cytogenetic location: 15q26.3.
Variant type: single nucleotide variant.
Coding change: c.2943C>T on transcript NM_024652.6 (MANE Select); coding-DNA position 2943, C replaced by T.
Protein change: p.Ala981=; no amino-acid change (alanine 981 retained).
Molecular consequence: synonymous variant.
Genome position (GRCh38, 1-based): chr15:101,029,212, C>T. VCF-style: chr15-101029212-C-T. GRCh37 (hg19) VCF-style: chr15-101569417-C-T.
Other names: c.2943C>T (NM_024652.5).
Identifiers: ClinVar variation 1656113 (VCV001656113.24), dbSNP rs41478246, ClinGen allele CA7761381.

ClinVar aggregate classification (germline): Benign. Review status: criteria provided, multiple submitters, no conflicts (2 of 4 stars). 4 submissions from 4 submitters: Benign (3). 1 of the submissions does not count toward it. Last evaluated 2026-01-28.

Conditions:
LRRK1-related disorder. Also called: LRRK1-related condition.

Allele frequency attached by ClinVar (database versions not stated): 1000 Genomes Project 30x 0.00453; 1000 Genomes Project 0.00539; TOPMed 0.00779; ESP Exome Variant Server 0.00902; gnomAD 0.00909 and 0.00911; gnomAD exomes 0.01146 and 0.01327; ExAC 0.01317.
gnomAD v4.1: 20,701 of 1,612,440 alleles (1.3%); highest among the groups gnomAD compares: Non-Finnish European, 1.5%; 167 homozygotes.

Submissions (4):

Labcorp Genetics (formerly Invitae), Labcorp
Classification: Benign. Last evaluated: 2026-01-28. Review status: criteria provided, single submitter. Criteria: Invitae Variant Classification Sherloc (09022015). Collection method: clinical testing. Allele origin: germline.

CeGaT Center for Human Genetics Tuebingen
Classification: Benign. Last evaluated: 2025-11-01. Review status: criteria provided, single submitter. Criteria: CeGaT Center For Human Genetics Tuebingen Variant Classification Criteria Version 2. Collection method: clinical testing. Allele origin: germline. Affected: yes. Observed: 2 variant alleles.
Comment: LRRK1: BP4, BP7, BS1, BS2

Breakthrough Genomics
Classification: Benign. Review status: criteria provided, single submitter. Criteria: ACMG Guidelines, 2015. Collection method: not provided. Allele origin: germline. Inheritance: Autosomal recessive inheritance. Affected: yes.

PreventionGenetics, part of Exact Sciences
Classification: Benign for LRRK1-related condition. Last evaluated: 2024-05-16. Review status: no assertion criteria provided. Collection method: clinical testing. Allele origin: germline. Not counted in ClinVar's aggregate classification.
Comment: This variant is classified as benign based on ACMG/AMP sequence variant interpretation guidelines (Richards et al. 2015 PMID: 25741868, with internal and published modifications).